The following is an entry in ClinVar:

ClinVar aggregate classification (germline): Likely pathogenic. Review status: criteria provided, multiple submitters, no conflicts (2 of 4 stars). 5 submissions from 5 submitters: Likely pathogenic (5). Last evaluated 2026-04-08.

Conditions:
Inborn genetic diseases. Identifiers: MedGen C0950123, MeSH D030342.
Episodic ataxia type 1 (EA1). Also called: MYOKYMIA WITH PERIODIC ATAXIA; PAROXYSMAL ATAXIA WITH NEUROMYOTONIA, HEREDITARY; Episodic ataxia/myokymia syndrome; ATAXIA, EPISODIC, WITH MYOKYMIA. Identifiers: Orphanet 37612, Orphanet 972, MedGen C1719788, MONDO:0008047, OMIM 160120.

Submissions (5):

Ambry Genetics
Classification: Likely pathogenic for Inborn genetic diseases. Last evaluated: 2026-04-08. Review status: criteria provided, single submitter. Criteria: Ambry Variant Classification Scheme 2023. Collection method: clinical testing. Allele origin: germline.
Comment: The c.941T>C (p.I314T) alteration is located in exon 2 (coding exon 1) of the KCNA1 gene. This alteration results from a T to C substitution at nucleotide position 941, causing the isoleucine (I) at amino acid position 314 to be replaced by a threonine (T). This variant was not reported in population-based cohorts in the Genome Aggregation Database (gnomAD). This variant was identified in one or more individuals with features consistent with KCNA1-related episodic ataxia and myokymia syndrome (Brownstein, 2015) and segregated with disease in at least one family (Brownstein, 2015). This amino acid position is highly conserved in available vertebrate species. This missense variant is located in a region that has a low rate of benign missense variation (Lek, 2016; Firth, 2009). This alteration is predicted to be deleterious by in silico analysis. Based on the available evidence, this alteration is classified as likely pathogenic.

Labcorp Genetics (formerly Invitae), Labcorp
Classification: Likely pathogenic for Episodic ataxia type 1. Last evaluated: 2025-03-07. Review status: criteria provided, single submitter. Criteria: Invitae Variant Classification Sherloc (09022015). Collection method: clinical testing. Allele origin: germline.
Comment: This sequence change replaces isoleucine, which is neutral and non-polar, with threonine, which is neutral and polar, at codon 314 of the KCNA1 protein (p.Ile314Thr). This variant is not present in population databases (gnomAD no frequency). This missense change has been observed in individual(s) with episodic ataxia (PMID: 26395884). It has also been observed to segregate with disease in related individuals. ClinVar contains an entry for this variant (Variation ID: 427198). Invitae Evidence Modeling of protein sequence and biophysical properties (such as structural, functional, and spatial information, amino acid conservation, physicochemical variation, residue mobility, and thermodynamic stability) indicates that this missense variant is expected to disrupt KCNA1 protein function with a positive predictive value of 95%. In summary, the currently available evidence indicates that the variant is pathogenic, but additional data are needed to prove that conclusively. Therefore, this variant has been classified as Likely Pathogenic.

GeneDx
Classification: Likely pathogenic. Last evaluated: 2024-12-17. Review status: criteria provided, single submitter. Criteria: GeneDx Variant Classification Process June 2021. Collection method: clinical testing. Allele origin: germline. Affected: yes.
Comment: Not observed at significant frequency in large population cohorts (gnomAD); In silico analysis supports that this missense variant has a deleterious effect on protein structure/function; This variant is associated with the following publications: (PMID: 37240170, 36016548, 33066705, 26395884, 32331416, 32316562)

Revvity Omics, Revvity
Classification: Likely pathogenic for Episodic ataxia type 1. Last evaluated: 2020-06-29. Review status: criteria provided, single submitter. Criteria: ACMG Guidelines, 2015. Collection method: clinical testing. Allele origin: germline.

Athena Diagnostics
Classification: Likely pathogenic. Last evaluated: 2018-07-26. Review status: criteria provided, single submitter. Criteria: Athena Diagnostics Criteria. Collection method: clinical testing. Allele origin: germline.

Literature cited by the submitters: PubMed 26395884 (cited by 3 submitters).

NM_000217.3(KCNA1):c.941T>C (p.Ile314Thr)

Gene: KCNA1 (potassium voltage-gated channel subfamily A member 1; plus strand). Cytogenetic location: 12p13.32.
Variant type: single nucleotide variant.
Coding change: c.941T>C on transcript NM_000217.3 (MANE Select); coding-DNA position 941, T replaced by C.
Protein change: p.Ile314Thr; replaces isoleucine 314 with threonine.
Molecular consequence: missense variant.
Genome position (GRCh38, 1-based): chr12:4,912,319, T>C. VCF-style: chr12-4912319-T-C. GRCh37 (hg19) VCF-style: chr12-5021485-T-C.
Other names: short protein forms I314T.
Identifiers: ClinVar variation 427198 (VCV000427198.10), dbSNP rs1085308020, ClinGen allele CA383455679.